The following is an entry in ClinVar:

NM_000321.3(RB1):c.2733G>T (p.Met911Ile)

Gene: RB1 (RB transcriptional corepressor 1; plus strand). Cytogenetic location: 13q14.2.
Variant type: single nucleotide variant.
Coding change: c.2733G>T on transcript NM_000321.3 (MANE Select); coding-DNA position 2733, G replaced by T.
Protein change: p.Met911Ile; replaces methionine 911 with isoleucine.
Molecular consequence: missense variant.
Genome position (GRCh38, 1-based): chr13:48,480,017, G>T. VCF-style: chr13-48480017-G-T. GRCh37 (hg19) VCF-style: chr13-49054153-G-T.
Other names: short protein forms M911I.
Identifiers: ClinVar variation 1394450 (VCV001394450.6), dbSNP rs2138364425, ClinGen allele CA388158272.

ClinVar aggregate classification (germline): Uncertain significance (1 of 4 stars; one submission).

Conditions:
Retinoblastoma (RB1). Also called: RETINOBLASTOMA, SOMATIC. Identifiers: Orphanet 790, MedGen C0035335, MeSH D012175, MONDO:0008380, OMIM 180200, HP:0009919. Disease mechanism: loss of function. Inheritance: Both sporadic and heritable forms are tested..

Submission:

Labcorp Genetics (formerly Invitae), Labcorp
Classification: Uncertain significance for Retinoblastoma. Last evaluated: 2021-11-22. Review status: criteria provided, single submitter. Criteria: Invitae Variant Classification Sherloc (09022015). Collection method: clinical testing. Allele origin: germline.
Comment: This sequence change replaces methionine, which is neutral and non-polar, with isoleucine, which is neutral and non-polar, at codon 911 of the RB1 protein (p.Met911Ile). This variant is not present in population databases (gnomAD no frequency). This variant has not been reported in the literature in individuals affected with RB1-related conditions. Algorithms developed to predict the effect of missense changes on protein structure and function are either unavailable or do not agree on the potential impact of this missense change (SIFT: "Deleterious"; PolyPhen-2: "Benign"; Align-GVGD: "Class C0"). In summary, the available evidence is currently insufficient to determine the role of this variant in disease. Therefore, it has been classified as a Variant of Uncertain Significance.